The following is an entry in ClinVar:

ClinVar aggregate classification (germline): Conflicting classifications of pathogenicity. Review status: criteria provided, conflicting classifications (1 of 4 stars). 2 submissions from 2 submitters: Uncertain significance (1); Likely benign (1). Last evaluated 2025-08-27.

Submissions (2):

Ambry Genetics
Classification: Uncertain significance. Last evaluated: 2025-08-27. Review status: criteria provided, single submitter. Criteria: Ambry Variant Classification Scheme 2023. Collection method: clinical testing. Allele origin: germline.

CeGaT Center for Human Genetics Tuebingen
Classification: Likely benign. Last evaluated: 2024-10-01. Review status: criteria provided, single submitter. Criteria: CeGaT Center For Human Genetics Tuebingen Variant Classification Criteria Version 2. Collection method: clinical testing. Allele origin: germline. Affected: yes. Observed: 1 variant allele.
Comment: EFCAB6: BP4, BS2

NM_022785.4(EFCAB6):c.2132C>T (p.Pro711Leu)

Gene: EFCAB6 (EF-hand calcium binding domain 6; minus strand). Cytogenetic location: 22q13.2.
Variant type: single nucleotide variant.
Coding change: c.2132C>T on transcript NM_022785.4 (MANE Select); coding-DNA position 2132, C replaced by T.
Protein change: p.Pro711Leu; replaces proline 711 with leucine.
Molecular consequence: missense variant.
Genome position (GRCh38, 1-based): chr22:43,632,205, G>A on the plus strand (C>T on the coding strand, the complement: EFCAB6 is on the minus strand). VCF-style: chr22-43632205-G-A. GRCh37 (hg19) VCF-style: chr22-44028085-G-A.
Other names: c.1676C>T, p.Pro559Leu (NM_198856.3); c.2132C>T (NM_022785.3); short protein forms P559L, P711L.
Identifiers: ClinVar variation 3388237 (VCV003388237.15).